The following is an entry in ClinVar:

NM_015450.3(POT1):c.1228G>T (p.Asp410Tyr)

Gene: POT1 (protection of telomeres 1; minus strand). Cytogenetic location: 7q31.33.
Variant type: single nucleotide variant.
Coding change: c.1228G>T on transcript NM_015450.3 (MANE Select); coding-DNA position 1228, G replaced by T.
Protein change: p.Asp410Tyr; replaces aspartic acid 410 with tyrosine.
Molecular consequence: missense variant. On other transcripts: non-coding transcript variant (3).
Genome position (GRCh38, 1-based): chr7:124,841,114, C>A on the plus strand (G>T on the coding strand, the complement: POT1 is on the minus strand). VCF-style: chr7-124841114-C-A. GRCh37 (hg19) VCF-style: chr7-124481168-C-A.
Other names: c.1228G>T (NM_015450.2); c.835G>T, p.Asp279Tyr (NM_001042594.2); short protein forms D279Y, D410Y.
Identifiers: ClinVar variation 1503594 (VCV001503594.7), dbSNP rs79314063, ClinGen allele CA369067528.

ClinVar aggregate classification (germline): Uncertain significance. Review status: criteria provided, multiple submitters, no conflicts (2 of 4 stars). 2 submissions from 2 submitters: Uncertain significance (2). Last evaluated 2025-12-24.

Conditions:
Hereditary cancer-predisposing syndrome. Also called: Tumor predisposition; Neoplastic Syndromes, Hereditary; Hereditary Cancer Syndrome; Hereditary neoplastic syndrome. Identifiers: Orphanet 140162, MedGen C0027672, MeSH D009386, MONDO:0015356.
Tumor predisposition syndrome 3 (TPDS3). Also called: Melanoma, cutaneous malignant, susceptibility to, 10; LONG TELOMERE SYNDROME, POT1-RELATED; POT1 Tumor Predisposition; Glioma susceptibility 9. Identifiers: Orphanet 618, MedGen C4014476, MONDO:0014368, OMIM 615848.

Submissions (2):

Labcorp Genetics (formerly Invitae), Labcorp
Classification: Uncertain significance for Tumor predisposition syndrome 3. Last evaluated: 2025-12-24. Review status: criteria provided, single submitter. Criteria: Invitae Variant Classification Sherloc (09022015). Collection method: clinical testing. Allele origin: germline.
Comment: This sequence change replaces aspartic acid, which is acidic and polar, with tyrosine, which is neutral and polar, at codon 410 of the POT1 protein (p.Asp410Tyr). This variant is not present in population databases (gnomAD no frequency). This variant has not been reported in the literature in individuals affected with POT1-related conditions. ClinVar contains an entry for this variant (Variation ID: 1503594). Invitae Evidence Modeling of protein sequence and biophysical properties (such as structural, functional, and spatial information, amino acid conservation, physicochemical variation, residue mobility, and thermodynamic stability) indicates that this missense variant is not expected to disrupt POT1 protein function with a negative predictive value of 80%. In summary, the available evidence is currently insufficient to determine the role of this variant in disease. Therefore, it has been classified as a Variant of Uncertain Significance.

Ambry Genetics
Classification: Uncertain significance for Hereditary cancer-predisposing syndrome. Last evaluated: 2025-01-07. Review status: criteria provided, single submitter. Criteria: Ambry Variant Classification Scheme 2023. Collection method: clinical testing. Allele origin: germline.
Comment: The p.D410Y variant (also known as c.1228G>T), located in coding exon 10 of the POT1 gene, results from a G to T substitution at nucleotide position 1228. The aspartic acid at codon 410 is replaced by tyrosine, an amino acid with highly dissimilar properties. This amino acid position is not well conserved in available vertebrate species. In addition, this alteration is predicted to be tolerated by in silico analysis. Based on the available evidence, the clinical significance of this variant remains unclear.